The following is an entry in ClinVar:

ClinVar aggregate classification (germline): Uncertain significance (1 of 4 stars; one submission).

Conditions:
Peroxisome biogenesis disorder 2B (PBD2B). Identifiers: Orphanet 44, MedGen C3550234, MONDO:0008736, OMIM 202370.

Allele frequency attached by ClinVar (database versions not stated): gnomAD exomes below 0.00001.

Submission:

Labcorp Genetics (formerly Invitae), Labcorp
Classification: Uncertain significance for Peroxisome biogenesis disorder 2B. Last evaluated: 2020-11-22. Review status: criteria provided, single submitter. Criteria: Invitae Variant Classification Sherloc (09022015). Collection method: clinical testing. Allele origin: germline.
Comment: In summary, the available evidence is currently insufficient to determine the role of this variant in disease. Therefore, it has been classified as a Variant of Uncertain Significance. Algorithms developed to predict the effect of missense changes on protein structure and function (SIFT, PolyPhen-2, Align-GVGD) all suggest that this variant is likely to be tolerated, but these predictions have not been confirmed by published functional studies and their clinical significance is uncertain. This variant has not been reported in the literature in individuals with PEX5-related conditions. This variant is not present in population databases (ExAC no frequency). This sequence change replaces proline with alanine at codon 156 of the PEX5 protein (p.Pro156Ala). The proline residue is moderately conserved and there is a small physicochemical difference between proline and alanine.

NM_001351132.2(PEX5):c.466C>G (p.Pro156Ala)

Gene: PEX5 (peroxisomal biogenesis factor 5; plus strand). Cytogenetic location: 12p13.31.
Variant type: single nucleotide variant.
Coding change: c.466C>G on transcript NM_001351132.2 (MANE Select); coding-DNA position 466, C replaced by G.
Protein change: p.Pro156Ala; replaces proline 156 with alanine.
Molecular consequence: missense variant.
Genome position (GRCh38, 1-based): chr12:7,199,028, C>G. VCF-style: chr12-7199028-C-G. GRCh37 (hg19) VCF-style: chr12-7351624-C-G.
Other names: c.466C>G, p.Pro156Ala (NM_000319.5, NM_001131024.2, NM_001131025.2 and 19 more transcripts); c.511C>G, p.Pro171Ala (NM_001131023.2, NM_001351135.3, NM_001351138.2); short protein forms P171A, P156A.
Identifiers: ClinVar variation 1472183 (VCV001472183.8), dbSNP rs2136074053, ClinGen allele CA383717266.